The following is an entry in ClinVar:

ClinVar aggregate classification (germline): Conflicting classifications of pathogenicity. Review status: criteria provided, conflicting classifications (1 of 4 stars). 3 submissions from 3 submitters: Uncertain significance (2); Likely benign (1). Last evaluated 2025-09-22.

Conditions:
Inborn genetic diseases. Identifiers: MedGen C0950123, MeSH D030342.
Landau-Kleffner syndrome (FESD). Also called: EPILEPSY, FOCAL, WITH SPEECH DISORDER AND WITH OR WITHOUT MENTAL RETARDATION; APHASIA, ACQUIRED, WITH EPILEPSY. Identifiers: Orphanet 1945, Orphanet 725, Orphanet 98818, MedGen C0282512, MONDO:0009509, OMIM 245570.

Allele frequency attached by ClinVar (database versions not stated): gnomAD exomes 0.00001 and below 0.00001; gnomAD 0.00001; ExAC 0.00002; TOPMed 0.00001.
gnomAD v4.1: 5 of 1,613,950 alleles (0.00031%); highest among the groups gnomAD compares: African/African-American, 0.0067%; no homozygotes.

Submissions (3):

Ambry Genetics
Classification: Uncertain significance for Inborn genetic diseases. Last evaluated: 2025-09-22. Review status: criteria provided, single submitter. Criteria: Ambry Variant Classification Scheme 2023. Collection method: clinical testing. Allele origin: germline.

GeneDx
Classification: Uncertain significance. Last evaluated: 2024-12-20. Review status: criteria provided, single submitter. Criteria: GeneDx Variant Classification Process June 2021. Collection method: clinical testing. Allele origin: germline. Affected: yes.
Comment: In silico analysis indicates that this missense variant does not alter protein structure/function; Has not been previously published as pathogenic or benign to our knowledge

Labcorp Genetics (formerly Invitae), Labcorp
Classification: Likely benign for Landau-Kleffner syndrome. Last evaluated: 2024-04-18. Review status: criteria provided, single submitter. Criteria: Invitae Variant Classification Sherloc (09022015). Collection method: clinical testing. Allele origin: germline.

NM_001134407.3(GRIN2A):c.3530G>A (p.Gly1177Glu)

Gene: GRIN2A (glutamate ionotropic receptor NMDA type subunit 2A; minus strand). Cytogenetic location: 16p13.2.
Variant type: single nucleotide variant.
Coding change: c.3530G>A on transcript NM_001134407.3 (MANE Select); coding-DNA position 3530, G replaced by A.
Protein change: p.Gly1177Glu; replaces glycine 1177 with glutamic acid.
Molecular consequence: missense variant.
Genome position (GRCh38, 1-based): chr16:9,764,014, C>T on the plus strand (G>A on the coding strand, the complement: GRIN2A is on the minus strand). VCF-style: chr16-9764014-C-T. GRCh37 (hg19) VCF-style: chr16-9857871-C-T.
Other names: c.3530G>A, p.Gly1177Glu (NM_000833.5, NM_001134408.2); short protein forms G1177E.
Identifiers: ClinVar variation 959526 (VCV000959526.14), dbSNP rs745723771, ClinGen allele CA7896297.